The following is an entry in ClinVar:

NM_003108.4(SOX11):c.1013C>G (p.Ser338Trp)

Gene: SOX11 (SRY-box transcription factor 11; plus strand). Cytogenetic location: 2p25.2.
Variant type: single nucleotide variant.
Coding change: c.1013C>G on transcript NM_003108.4 (MANE Select); coding-DNA position 1013, C replaced by G.
Protein change: p.Ser338Trp; replaces serine 338 with tryptophan.
Molecular consequence: missense variant.
Genome position (GRCh38, 1-based): chr2:5,693,734, C>G. VCF-style: chr2-5693734-C-G. GRCh37 (hg19) VCF-style: chr2-5833866-C-G.
Other names: short protein forms S338W.
Identifiers: ClinVar variation 4885301 (VCV004885301.2).
Genomic context (GRCh38, chr2:5,693,734, plus strand): 5'-TCACCAAGCAGCACCCGCCGCCGCTCGCGCAGCCCGCGCTGTCGCCCGCGTCCTCGCGCT[C>G]GGTGTCCACCTCCTCGTCCAGCAGCAGCGGCAGCAGCAGCGGCAGCAGCGGCGAGGACGC-3'
Protein context (NP_003099.1, residues 328-348): QPALSPASSR[Ser338Trp]VSTSSSSSSG

ClinVar aggregate classification (germline): Uncertain significance (1 of 4 stars; one submission).

Submission:

Dasa
Classification: Uncertain significance. Last evaluated: 2025-05-05. Review status: criteria provided, single submitter. Criteria: DASA Assertion Criteria. Collection method: clinical testing. Allele origin: germline.
Comment: NM_003108.4(SOX11):c.1013C>G (p.Ser338Trp) is a missense variant that results in the substitution of serine with tryptophan. This variant is absent from population databases. The currently available literature and clinical evidence are not sufficient to establish a definitive association between this variant and the reported condition. Therefore, this variant is classified as a variant of uncertain significance.